The following is an entry in ClinVar:

ClinVar aggregate classification (germline): Uncertain significance (1 of 4 stars; one submission).

Conditions:
Facioscapulohumeral muscular dystrophy 2 (FSHD2). Also called: MUSCULAR DYSTROPHY, FACIOSCAPULOHUMERAL, TYPE 1B; FACIOSCAPULOHUMERAL MUSCULAR DYSTROPHY 2, DIGENIC; FSHD2, DIGENIC. Identifiers: Orphanet 269, MedGen C1834671, MONDO:0008031, OMIM 158901.

Submission:

Labcorp Genetics (formerly Invitae), Labcorp
Classification: Uncertain significance for Facioscapulohumeral muscular dystrophy 2. Last evaluated: 2022-10-17. Review status: criteria provided, single submitter. Criteria: Invitae Variant Classification Sherloc (09022015). Collection method: clinical testing. Allele origin: germline.
Comment: In summary, the available evidence is currently insufficient to determine the role of this variant in disease. Therefore, it has been classified as a Variant of Uncertain Significance. This sequence change replaces valine, which is neutral and non-polar, with phenylalanine, which is neutral and non-polar, at codon 1373 of the SMCHD1 protein (p.Val1373Phe). This variant is not present in population databases (gnomAD no frequency). This variant has not been reported in the literature in individuals affected with SMCHD1-related conditions. Advanced modeling of protein sequence and biophysical properties (such as structural, functional, and spatial information, amino acid conservation, physicochemical variation, residue mobility, and thermodynamic stability) performed at Invitae indicates that this missense variant is not expected to disrupt SMCHD1 protein function.

NM_015295.3(SMCHD1):c.4117G>T (p.Val1373Phe)

Gene: SMCHD1 (structural maintenance of chromosomes flexible hinge domain containing 1; plus strand). Cytogenetic location: 18p11.32.
Variant type: single nucleotide variant.
Coding change: c.4117G>T on transcript NM_015295.3 (MANE Select); coding-DNA position 4117, G replaced by T.
Protein change: p.Val1373Phe; replaces valine 1373 with phenylalanine.
Molecular consequence: missense variant.
Genome position (GRCh38, 1-based): chr18:2,750,459, G>T. VCF-style: chr18-2750459-G-T. GRCh37 (hg19) VCF-style: chr18-2750457-G-T.
Other names: short protein forms V1373F.
Identifiers: ClinVar variation 2421984 (VCV002421984.6), dbSNP rs2510121461, ClinGen allele CA401692197.